The following is an entry in ClinVar:

NM_017755.6(NSUN2):c.1458T>C (p.His486=)

Gene: NSUN2 (NOP2/Sun RNA methyltransferase 2; minus strand). Cytogenetic location: 5p15.31.
Variant type: single nucleotide variant.
Coding change: c.1458T>C on transcript NM_017755.6 (MANE Select); coding-DNA position 1458, T replaced by C.
Protein change: p.His486=; no amino-acid change (histidine 486 retained).
Molecular consequence: synonymous variant. On other transcripts: non-coding transcript variant (1).
Genome position (GRCh38, 1-based): chr5:6,607,250, A>G on the plus strand (T>C on the coding strand, the complement: NSUN2 is on the minus strand). VCF-style: chr5-6607250-A-G. GRCh37 (hg19) VCF-style: chr5-6607363-A-G.
Other names: c.1353T>C, p.His451= (NM_001193455.2).
Identifiers: ClinVar variation 722336 (VCV000722336.39), dbSNP rs200925761, ClinGen allele CA3192434.

ClinVar aggregate classification (germline): Conflicting classifications of pathogenicity. Review status: criteria provided, conflicting classifications (1 of 4 stars). 4 submissions from 4 submitters: Uncertain significance (1); Benign (1); Likely benign (2). Last evaluated 2026-02-01.

Conditions:
Intellectual developmental disorder, autosomal recessive 5. Also called: Intellectual disability, autosomal recessive 5. Identifiers: Orphanet 88616, MedGen C1970199, MONDO:0012613, OMIM 611091.

Allele frequency attached by ClinVar (database versions not stated): gnomAD 0.00010 and 0.00018; TOPMed 0.00014; 1000 Genomes Project 30x 0.00062; gnomAD exomes 0.00018 and 0.00028; ExAC 0.00027; 1000 Genomes Project 0.00080.
gnomAD v4.1: 294 of 1,614,208 alleles (0.018%); highest among the groups gnomAD compares: East Asian, 0.41%; 3 homozygotes.

Submissions (4):

CeGaT Center for Human Genetics Tuebingen
Classification: Likely benign. Last evaluated: 2026-02-01. Review status: criteria provided, single submitter. Criteria: CeGaT Center For Human Genetics Tuebingen Variant Classification Criteria Version 2. Collection method: clinical testing. Allele origin: germline. Affected: yes. Observed: 2 variant alleles.
Comment: NSUN2: BP4, BP7

Labcorp Genetics (formerly Invitae), Labcorp
Classification: Benign. Last evaluated: 2025-12-28. Review status: criteria provided, single submitter. Criteria: Invitae Variant Classification Sherloc (09022015). Collection method: clinical testing. Allele origin: germline.

Genetic Services Laboratory, University of Chicago
Classification: Likely benign. Last evaluated: 2020-05-04. Review status: criteria provided, single submitter. Criteria: ACMG Guidelines, 2015. Collection method: clinical testing. Allele origin: germline. Affected: no.

Illumina Laboratory Services, Illumina
Classification: Uncertain significance for Intellectual developmental disorder, autosomal recessive 5. Last evaluated: 2018-01-12. Review status: criteria provided, single submitter. Criteria: ICSL Variant Classification Criteria 13 December 2019. Collection method: clinical testing. Allele origin: germline.